The following is an entry in ClinVar:

ClinVar aggregate classification (germline): Likely pathogenic (1 of 4 stars; one submission).

Conditions:
Cholestasis-pigmentary retinopathy-cleft palate syndrome (HDKR). Also called: Hardikar Syndrome (HS). Identifiers: Orphanet 1415, MedGen C0795969, MeSH C535632, MONDO:0012997, OMIM 301068.

Submission:

New York Genome Center
Classification: Likely pathogenic for Cholestasis-pigmentary retinopathy-cleft palate syndrome. Last evaluated: 2021-01-05. Review status: criteria provided, single submitter. Criteria: NYGC Assertion Criteria 2020. Collection method: clinical testing. Allele origin: germline. Affected: yes. Observed: 1 heterozygote.
Comment: The c.1737del (p.Met580CysfsTer2) variant identified the MED12 gene is the deletion of a single nucleotide, resulting in the frameshift of the protein at amino acid 580/2178 (exon 12/45). This is predicted to lead to the premature termination of the protein approximately 2 amino acids downstream of the variant. This variant is absent from gnomAD(v3.0) suggesting it is not a common benign variant in the populations represented in that database. The c.1737del (p.Met580CysfsTer2) variant is absent from ClinVar and to our current knowledge has not been reported in affected individuals in the literature, although several nonsense and frameshift variants downstream of the one identified here have recently been reported in individuals with Hardikar syndrome [PMID:33244166]. Given its deleterious nature and absence in population databases, the c.1737del (p.Met580CysfsTer2) variant identified in MED12 is reported as Likely Pathogenic.

NM_005120.3(MED12):c.1737del (p.Met580fs)

Genes: MED12 (mediator complex subunit 12; plus strand), LOC126863275 (BRD4-independent group 4 enhancer GRCh37_chrX:70342400-70343599; plus strand). Cytogenetic location: Xq13.1.
Variant type: Deletion.
Coding change: c.1737del on transcript NM_005120.3 (MANE Select); coding-DNA position 1737, one base deleted (C; older notation c.1737delC).
Protein change: p.Met580fs; shifts the reading frame from methionine 580.
Molecular consequence: frameshift variant.
Genome position (GRCh38, 1-based): chrX:71,123,713, C deleted; the last of 3 consecutive C bases (chrX:71,123,711-71,123,713); deleting any one gives the same sequence. VCF-style (leftmost placement, unchanged base first): chrX-71123710-TC-T. GRCh37 (hg19) VCF-style: chrX-70343560-TC-T.
Other names: short protein forms M580fs.
Identifiers: ClinVar variation 1803908 (VCV001803908.2), dbSNP rs2519674075, ClinGen allele CA2580101309.